The following is an entry in ClinVar:

NM_139058.3(ARX):c.303A>G (p.Ala101=)

Genes: ARX (aristaless related homeobox; minus strand), LOC109610631 (aristaless related homeobox polyalanine expansion region; plus strand). Cytogenetic location: Xp21.3.
Variant type: single nucleotide variant.
Coding change: c.303A>G on transcript NM_139058.3 (MANE Select); coding-DNA position 303, A replaced by G.
Protein change: p.Ala101=; no amino-acid change (alanine 101 retained).
Molecular consequence: synonymous variant.
Genome position (GRCh38, 1-based): chrX:25,013,692, T>C on the plus strand (A>G on the coding strand, the complement: ARX is on the minus strand). VCF-style: chrX-25013692-T-C. GRCh37 (hg19) VCF-style: chrX-25031809-T-C.
Identifiers: ClinVar variation 210325 (VCV000210325.25), dbSNP rs797045295, ClinGen allele CA207126.

ClinVar aggregate classification (germline): Conflicting classifications of pathogenicity. Review status: criteria provided, conflicting classifications (1 of 4 stars). 6 submissions from 6 submitters: Uncertain significance (1); Likely benign (5). Last evaluated 2026-06-01.

Conditions:
Inborn genetic diseases. Identifiers: MedGen C0950123, MeSH D030342.
Intellectual disability, X-linked, with or without seizures, ARX-related. Also called: Mental retardation, X-linked 52; MENTAL RETARDATION, X-LINKED 29; MENTAL RETARDATION, X-LINKED 32; MENTAL RETARDATION, X-LINKED 33; MENTAL RETARDATION, X-LINKED 38; MENTAL RETARDATION, X-LINKED 43. Identifiers: Orphanet 777, MedGen C0796244, MONDO:0010317, OMIM 300419.
Developmental and epileptic encephalopathy, 1 (DEE1). Also called: INFANTILE SPASM SYNDROME, X-LINKED 1; X-linked infantile spasms; West's syndrome; Tonic spasms with clustering, arrest of psychomotor development and hypsarrhythmia on EEG; X-Linked Infantile Spasm Syndrome; Epileptic encephalopathy, early infantile, 1. Identifiers: MedGen C3463992, MONDO:0010632, OMIM 308350. Disease mechanism: loss of function.

Allele frequency attached by ClinVar (database versions not stated): gnomAD exomes 0.00004; gnomAD 0.00007 and 0.00008; TOPMed 0.00008.
gnomAD v4.1: 47 of 879,891 alleles (0.0053%); highest among the groups gnomAD compares: Middle Eastern, 0.052%; no homozygotes.

Submissions (6):

CeGaT Center for Human Genetics Tuebingen
Classification: Likely benign. Last evaluated: 2026-06-01. Review status: criteria provided, single submitter. Criteria: CeGaT Center For Human Genetics Tuebingen Variant Classification Criteria Version 2. Collection method: clinical testing. Allele origin: germline. Affected: yes. Observed: 2 variant alleles.
Comment: ARX: BP4, BP7, BS2

Labcorp Genetics (formerly Invitae), Labcorp
Classification: Likely benign for Developmental and epileptic encephalopathy, 1; Intellectual disability, X-linked, with or without seizures, ARX-related. Last evaluated: 2025-11-05. Review status: criteria provided, single submitter. Criteria: Invitae Variant Classification Sherloc (09022015). Collection method: clinical testing. Allele origin: germline.

Blueprint Genetics
Classification: Likely benign. Last evaluated: 2024-11-01. Review status: criteria provided, single submitter. Criteria: ACMG Guidelines, 2015. Collection method: clinical testing. Allele origin: germline.

GeneDx
Classification: Likely benign. Last evaluated: 2021-04-13. Review status: criteria provided, single submitter. Criteria: GeneDx Variant Classification Process June 2021. Collection method: clinical testing. Allele origin: germline. Affected: yes.

Ambry Genetics
Classification: Likely benign for Inborn genetic diseases. Last evaluated: 2017-12-18. Review status: criteria provided, single submitter. Criteria: Ambry Variant Classification Scheme 2023. Collection method: clinical testing. Allele origin: germline.

Genetic Services Laboratory, University of Chicago
Classification: Uncertain significance. Last evaluated: 2015-06-11. Review status: criteria provided, single submitter. Criteria: ACMG Guidelines, 2015. Collection method: clinical testing. Allele origin: germline.